The following is an entry in ClinVar:

NM_001330723.2(SNX27):c.1313G>A (p.Arg438Lys)

Gene: SNX27 (sorting nexin 27; plus strand). Cytogenetic location: 1q21.3.
Variant type: single nucleotide variant.
Coding change: c.1313G>A on transcript NM_001330723.2 (MANE Select); coding-DNA position 1313, G replaced by A.
Protein change: p.Arg438Lys; replaces arginine 438 with lysine.
Molecular consequence: missense variant.
Genome position (GRCh38, 1-based): chr1:151,692,508, G>A. VCF-style: chr1-151692508-G-A. GRCh37 (hg19) VCF-style: chr1-151664984-G-A.
Other names: c.1313G>A, p.Arg438Lys (NM_030918.6); short protein forms R438K.
Identifiers: ClinVar variation 2059774 (VCV002059774.4), dbSNP rs1671502312, ClinGen allele CA341972131.

ClinVar aggregate classification (germline): Uncertain significance (1 of 4 stars; one submission).

Conditions:
Severe myoclonic epilepsy in infancy (DRVT). Also called: Severe Myoclonic Epilepsy in Infancy (SMEI); Dravet syndrome; SEVERE MYOCLONIC EPILEPSY OF INFANCY; DEVELOPMENTAL AND EPILEPTIC ENCEPHALOPATHY 6A; Epileptic encephalopathy, early infantile, 6 (Dravet syndrome). Identifiers: Orphanet 33069, MedGen C0751122, MONDO:0100135, OMIM 607208.

Allele frequency attached by ClinVar (database versions not stated): gnomAD exomes below 0.00001; gnomAD 0.00001.
gnomAD v4.1: 2 of 1,608,998 alleles (0.00012%); highest among the groups gnomAD compares: African/African-American, 0.0014%; no homozygotes.

Submission:

Labcorp Genetics (formerly Invitae), Labcorp
Classification: Uncertain significance for Severe myoclonic epilepsy in infancy. Last evaluated: 2022-08-16. Review status: criteria provided, single submitter. Criteria: Invitae Variant Classification Sherloc (09022015). Collection method: clinical testing. Allele origin: germline.
Comment: In summary, the available evidence is currently insufficient to determine the role of this variant in disease. Therefore, it has been classified as a Variant of Uncertain Significance. This sequence change replaces arginine, which is basic and polar, with lysine, which is basic and polar, at codon 438 of the SNX27 protein (p.Arg438Lys). This variant is not present in population databases (gnomAD no frequency). This variant has not been reported in the literature in individuals affected with SNX27-related conditions. Algorithms developed to predict the effect of missense changes on protein structure and function are either unavailable or do not agree on the potential impact of this missense change (SIFT: "Deleterious"; PolyPhen-2: "Benign"; Align-GVGD: "Class C0").